The following is an entry in ClinVar:

NM_001365999.1(SZT2):c.8533C>T (p.Arg2845Cys)

Gene: SZT2 (SZT2 subunit of KICSTOR complex; plus strand). Cytogenetic location: 1p34.2.
Variant type: single nucleotide variant.
Coding change: c.8533C>T on transcript NM_001365999.1 (MANE Select); coding-DNA position 8533, C replaced by T.
Protein change: p.Arg2845Cys; replaces arginine 2845 with cysteine.
Molecular consequence: missense variant.
Genome position (GRCh38, 1-based): chr1:43,443,385, C>T. VCF-style: chr1-43443385-C-T. GRCh37 (hg19) VCF-style: chr1-43909056-C-T.
Other names: c.8362C>T, p.Arg2788Cys (NM_015284.4); short protein forms R2845C, R2788C.
Identifiers: ClinVar variation 2545996 (VCV002545996.3), dbSNP rs201553214, ClinGen allele CA810591.

ClinVar aggregate classification (germline): Uncertain significance. Review status: criteria provided, multiple submitters, no conflicts (2 of 4 stars). 2 submissions from 2 submitters: Uncertain significance (2). Last evaluated 2025-12-17.

Conditions:
Inborn genetic diseases. Identifiers: MedGen C0950123, MeSH D030342.

Allele frequency attached by ClinVar (database versions not stated): gnomAD 0.00001; gnomAD exomes 0.00001; ExAC 0.00002; TOPMed 0.00002; 1000 Genomes Project 30x 0.00016; 1000 Genomes Project 0.00020.
gnomAD v4.1: 13 of 1,614,172 alleles (0.00081%); highest among the groups gnomAD compares: East Asian, 0.0045%; no homozygotes.

Submissions (2):

Labcorp Genetics (formerly Invitae), Labcorp
Classification: Uncertain significance. Last evaluated: 2025-12-17. Review status: criteria provided, single submitter. Criteria: Invitae Variant Classification Sherloc (09022015). Collection method: clinical testing. Allele origin: germline.
Comment: This sequence change replaces arginine, which is basic and polar, with cysteine, which is neutral and slightly polar, at codon 2788 of the SZT2 protein (p.Arg2788Cys). This variant is present in population databases (rs201553214, gnomAD 0.006%). This variant has not been reported in the literature in individuals affected with SZT2-related conditions. ClinVar contains an entry for this variant (Variation ID: 2545996). Invitae Evidence Modeling of protein sequence and biophysical properties (such as structural, functional, and spatial information, amino acid conservation, physicochemical variation, residue mobility, and thermodynamic stability) indicates that this missense variant is expected to disrupt SZT2 protein function with a positive predictive value of 80%. In summary, the available evidence is currently insufficient to determine the role of this variant in disease. Therefore, it has been classified as a Variant of Uncertain Significance.

Ambry Genetics
Classification: Uncertain significance for Inborn genetic diseases. Last evaluated: 2023-05-09. Review status: criteria provided, single submitter. Criteria: Ambry Variant Classification Scheme 2023. Collection method: clinical testing. Allele origin: germline.